The following is an entry in ClinVar:

NM_000052.7(ATP7A):c.2521C>T (p.Leu841Phe)

Gene: ATP7A (ATPase copper transporting alpha; plus strand). Cytogenetic location: Xq21.1.
Variant type: single nucleotide variant.
Coding change: c.2521C>T on transcript NM_000052.7 (MANE Select); coding-DNA position 2521, C replaced by T.
Protein change: p.Leu841Phe; replaces leucine 841 with phenylalanine.
Molecular consequence: missense variant.
Genome position (GRCh38, 1-based): chrX:78,015,776, C>T. VCF-style: chrX-78015776-C-T. GRCh37 (hg19) VCF-style: chrX-77271273-C-T.
Other names: c.2287C>T, p.Leu763Phe (NM_001282224.2); short protein forms L763F, L841F.
Identifiers: ClinVar variation 1721951 (VCV001721951.6), dbSNP rs2522361855, ClinGen allele CA413600846.

ClinVar aggregate classification (germline): Uncertain significance (1 of 4 stars; one submission).

Conditions:
X-linked distal spinal muscular atrophy type 3. Also called: SPINAL MUSCULAR ATROPHY, DISTAL, X-LINKED RECESSIVE; NEURONOPATHY, DISTAL HEREDITARY MOTOR, X-LINKED; NEUROPATHY, DISTAL HEREDITARY MOTOR, X-LINKED; ATP7A-Related Distal Motor Neuropathy. Identifiers: Orphanet 139557, MedGen C1845359, MONDO:0010338, OMIM 300489.
Menkes kinky-hair syndrome (MNK). Also called: Copper transport disease; Classic Menkes Disease; Menkes Disease. Identifiers: Orphanet 565, MedGen C0022716, MONDO:0010651, OMIM 309400.
Cutis laxa, X-linked (OHS). Also called: EDS IX; Occipital horn syndrome. Identifiers: Orphanet 198, MedGen C0268353, MONDO:0010572, OMIM 304150.

Submission:

Labcorp Genetics (formerly Invitae), Labcorp
Classification: Uncertain significance for X-linked distal spinal muscular atrophy type 3; Cutis laxa, X-linked; Menkes kinky-hair syndrome. Last evaluated: 2023-02-21. Review status: criteria provided, single submitter. Criteria: Invitae Variant Classification Sherloc (09022015). Collection method: clinical testing. Allele origin: germline.
Comment: Advanced modeling of protein sequence and biophysical properties (such as structural, functional, and spatial information, amino acid conservation, physicochemical variation, residue mobility, and thermodynamic stability) performed at Invitae indicates that this missense variant is not expected to disrupt ATP7A protein function. In summary, the available evidence is currently insufficient to determine the role of this variant in disease. Therefore, it has been classified as a Variant of Uncertain Significance. ClinVar contains an entry for this variant (Variation ID: 1721951). This variant has not been reported in the literature in individuals affected with ATP7A-related conditions. This variant is not present in population databases (gnomAD no frequency). This sequence change replaces leucine, which is neutral and non-polar, with phenylalanine, which is neutral and non-polar, at codon 841 of the ATP7A protein (p.Leu841Phe).